The following is an entry in ClinVar:

NM_031935.3(HMCN1):c.15755A>G (p.Tyr5252Cys)

Gene: HMCN1 (hemicentin 1; plus strand). Cytogenetic location: 1q31.1.
Variant type: single nucleotide variant.
Coding change: c.15755A>G on transcript NM_031935.3 (MANE Select); coding-DNA position 15755, A replaced by G.
Protein change: p.Tyr5252Cys; replaces tyrosine 5252 with cysteine.
Molecular consequence: missense variant.
Genome position (GRCh38, 1-based): chr1:186,172,072, A>G. VCF-style: chr1-186172072-A-G. GRCh37 (hg19) VCF-style: chr1-186141204-A-G.
Other names: c.15755A>G (NM_031935.2); short protein forms Y5252C.
Identifiers: ClinVar variation 1385772 (VCV001385772.8), dbSNP rs753251897, ClinGen allele CA1295364.

ClinVar aggregate classification (germline): Uncertain significance. Review status: criteria provided, multiple submitters, no conflicts (2 of 4 stars). 2 submissions from 2 submitters: Uncertain significance (2). Last evaluated 2024-02-21.

Allele frequency attached by ClinVar (database versions not stated): gnomAD 0.00001; gnomAD exomes 0.00001; ExAC 0.00002.
gnomAD v4.1: 10 of 1,613,742 alleles (0.00062%); highest among the groups gnomAD compares: Admixed American, 0.0017%; no homozygotes.

Submissions (3):

Ambry Genetics
Classification: Uncertain significance. Last evaluated: 2024-02-21. Review status: criteria provided, single submitter. Criteria: Ambry Variant Classification Scheme 2023. Collection method: clinical testing. Allele origin: germline.

Labcorp Genetics (formerly Invitae), Labcorp
Classification: Uncertain significance. Last evaluated: 2021-10-24. Review status: criteria provided, single submitter. Criteria: Invitae Variant Classification Sherloc (09022015). Collection method: clinical testing. Allele origin: germline.
Comment: This sequence change replaces tyrosine with cysteine at codon 5252 of the HMCN1 protein (p.Tyr5252Cys). The tyrosine residue is highly conserved and there is a large physicochemical difference between tyrosine and cysteine. This variant is present in population databases (rs753251897, ExAC 0.003%). This variant has not been reported in the literature in individuals affected with HMCN1-related conditions. Algorithms developed to predict the effect of missense changes on protein structure and function (SIFT, PolyPhen-2, Align-GVGD) all suggest that this variant is likely to be disruptive. Algorithms developed to predict the effect of sequence changes on RNA splicing suggest that this variant may create or strengthen a splice site. In summary, the available evidence is currently insufficient to determine the role of this variant in disease. Therefore, it has been classified as a Variant of Uncertain Significance.

Dr. Peter K. Rogan Lab, Western University
No classification provided (evidence only). Condition: Gastric cancer. Review status: no classification provided. Collection method: in vitro. Allele origin: not applicable. Functional consequence: retained intron. Not counted in ClinVar's aggregate classification.